The following is an entry in ClinVar:

ClinVar aggregate classification (germline): Pathogenic/Likely pathogenic. Review status: criteria provided, multiple submitters, no conflicts (2 of 4 stars). 3 submissions from 3 submitters: Pathogenic (1); Likely pathogenic (2). Last evaluated 2025-12-05.

Conditions:
Developmental and epileptic encephalopathy, 37 (DEE37). Also called: Epileptic encephalopathy, early infantile, 37. Identifiers: MedGen C4310770, MONDO:0014859, OMIM 616981.

Allele frequency attached by ClinVar (database versions not stated): TOPMed below 0.00001.
gnomAD v4.1: 8 of 1,613,370 alleles (0.0005%); highest among the groups gnomAD compares: African/African-American, 0.0027%; no homozygotes.

Submissions (3):

Labcorp Genetics (formerly Invitae), Labcorp
Classification: Pathogenic for Developmental and epileptic encephalopathy, 37. Last evaluated: 2025-12-05. Review status: criteria provided, single submitter. Criteria: Invitae Variant Classification Sherloc (09022015). Collection method: clinical testing. Allele origin: germline.
Comment: This sequence change creates a premature translational stop signal (p.Cys213*) in the FRRS1L gene. It is expected to result in an absent or disrupted protein product. Loss-of-function variants in FRRS1L are known to be pathogenic (PMID: 27236917). This variant is present in population databases (rs779716535, gnomAD 0.007%). This variant has not been reported in the literature in individuals affected with FRRS1L-related conditions. ClinVar contains an entry for this variant (Variation ID: 575860). For these reasons, this variant has been classified as Pathogenic.

GeneDx
Classification: Likely pathogenic. Last evaluated: 2025-02-05. Review status: criteria provided, single submitter. Criteria: GeneDx Variant Classification Process June 2021. Collection method: clinical testing. Allele origin: germline. Affected: yes.
Comment: Reported in the published literature in association with epilepsy (PMID: 31440721); Nonsense variant predicted to result in protein truncation or nonsense mediated decay in a gene for which loss-of-function is a known mechanism of disease; Not observed at significant frequency in large population cohorts (gnomAD); This variant is associated with the following publications: (PMID: 31440721)

Revvity Omics, Revvity
Classification: Likely pathogenic for Developmental and epileptic encephalopathy, 37. Last evaluated: 2021-12-07. Review status: criteria provided, single submitter. Criteria: ACMG Guidelines, 2015. Collection method: clinical testing. Allele origin: germline.

Literature cited by the submitters: PubMed 27236917 (cited by Labcorp Genetics (formerly Invitae), Labcorp).

NM_014334.4(FRRS1L):c.486C>A (p.Cys162Ter)

Gene: FRRS1L (ferric chelate reductase 1 like; minus strand). Cytogenetic location: 9q31.3.
Variant type: single nucleotide variant.
Coding change: c.486C>A on transcript NM_014334.4 (MANE Select); coding-DNA position 486, C replaced by A.
Protein change: p.Cys162Ter; replaces cysteine 162 with a stop codon.
Molecular consequence: nonsense.
Genome position (GRCh38, 1-based): chr9:109,141,566, G>T on the plus strand (C>A on the coding strand, the complement: FRRS1L is on the minus strand). VCF-style: chr9-109141566-G-T. GRCh37 (hg19) VCF-style: chr9-111903846-G-T.
Other names: c.639C>A (NM_014334.3); short protein forms C162*.
Identifiers: ClinVar variation 575860 (VCV000575860.12), dbSNP rs779716535, ClinGen allele CA5177392.
Genomic context (GRCh38, chr9:109,141,566, plus strand): 5'-TGCCCACTGGCCTACATTATAGAAGTGCTGTATGCGGACCCTGCCATTGTCATCATGGAC[G>T]CAGGCCATGACATCATCACCACCCTAACATGAGAAATGATTGAGAAAAAAAAAAGTCAAA-3'